The following is an entry in ClinVar:

NM_001110556.2(FLNA):c.176G>A (p.Cys59Tyr)

Gene: FLNA (filamin A; minus strand). Cytogenetic location: Xq28.
Variant type: single nucleotide variant.
Coding change: c.176G>A on transcript NM_001110556.2 (MANE Select); coding-DNA position 176, G replaced by A.
Protein change: p.Cys59Tyr; replaces cysteine 59 with tyrosine.
Molecular consequence: missense variant.
Genome position (GRCh38, 1-based): chrX:154,371,070, C>T on the plus strand (G>A on the coding strand, the complement: FLNA is on the minus strand). VCF-style: chrX-154371070-C-T. GRCh37 (hg19) VCF-style: chrX-153599438-C-T.
Other names: c.176G>A, p.Cys59Tyr (NM_001456.4); short protein forms C59Y.
Identifiers: ClinVar variation 3754020 (VCV003754020.3).

ClinVar aggregate classification (germline): Uncertain significance (1 of 4 stars; one submission).

Conditions:
Melnick-Needles syndrome (MNS). Also called: MELNICK-NEEDLES OSTEODYSPLASTY; OSTEODYSPLASTY OF MELNICK AND NEEDLES; Melnick-Needles Syndrome (FLNA-MNS). Identifiers: Orphanet 2484, MedGen C0025237, MONDO:0010650, OMIM 309350.
Frontometaphyseal dysplasia (FMD1). Identifiers: Orphanet 1826, MedGen C0265293, MONDO:0015942.
Heterotopia, periventricular, X-linked dominant (PVNH1). Also called: PERIVENTRICULAR NODULAR HETEROTOPIA 1; X-linked periventricular heterotopia; PERIVENTRICULAR NODULAR HETEROTOPIA 4; HETEROTOPIA, PERIVENTRICULAR, 1. Identifiers: Orphanet 2149, Orphanet 82004, MedGen C1848213, MONDO:0010233, OMIM 300049.
Oto-palato-digital syndrome, type II (OPD2). Also called: FACIOPALATOOSSEOUS SYNDROME; OPD II SYNDROME; Otopalatodigital Syndrome, Type II; Otopalatodigital Syndrome Type 2 (FLNA-OPD2). Identifiers: Orphanet 669, Orphanet 90652, MedGen C1844696, MONDO:0010571, OMIM 304120.

gnomAD v4.1: 1 of 1,204,904 alleles (0.000083%); highest among the groups gnomAD compares: South Asian, 0.0018%; no homozygotes.

Submissions (2):

Labcorp Genetics (formerly Invitae), Labcorp
Classification: Uncertain significance for Oto-palato-digital syndrome, type II; Heterotopia, periventricular, X-linked dominant; Frontometaphyseal dysplasia; Melnick-Needles syndrome. Last evaluated: 2024-06-13. Review status: criteria provided, single submitter. Criteria: Invitae Variant Classification Sherloc (09022015). Collection method: clinical testing. Allele origin: germline.
Comment: This sequence change replaces cysteine, which is neutral and slightly polar, with tyrosine, which is neutral and polar, at codon 59 of the FLNA protein (p.Cys59Tyr). This variant is not present in population databases (gnomAD no frequency). This variant has not been reported in the literature in individuals affected with FLNA-related conditions. Advanced modeling of protein sequence and biophysical properties (such as structural, functional, and spatial information, amino acid conservation, physicochemical variation, residue mobility, and thermodynamic stability) has been performed at Invitae for this missense variant, however the output from this modeling did not meet the statistical confidence thresholds required to predict the impact of this variant on FLNA protein function. In summary, the available evidence is currently insufficient to determine the role of this variant in disease. Therefore, it has been classified as a Variant of Uncertain Significance.

Dr. Peter K. Rogan Lab, Western University
No classification provided (evidence only). Condition: Thyroid cancer, nonmedullary, 1. Review status: no classification provided. Collection method: in vitro. Allele origin: not applicable. Functional consequence: retained intron. Not counted in ClinVar's aggregate classification.